The following is an entry in ClinVar:

ClinVar aggregate classification (germline): Uncertain significance (1 of 4 stars; one submission).

Submission:

Labcorp Genetics (formerly Invitae), Labcorp
Classification: Uncertain significance. Last evaluated: 2021-07-09. Review status: criteria provided, single submitter. Criteria: Invitae Variant Classification Sherloc (09022015). Collection method: clinical testing. Allele origin: germline.
Comment: This variant has not been reported in the literature in individuals affected with MTHFD1-related conditions. This variant is not present in population databases (ExAC no frequency). This sequence change replaces leucine with serine at codon 934 of the MTHFD1 protein (p.Leu934Ser). The leucine residue is moderately conserved and there is a large physicochemical difference between leucine and serine. Algorithms developed to predict the effect of missense changes on protein structure and function are either unavailable or do not agree on the potential impact of this missense change (SIFT: "Tolerated"; PolyPhen-2: "Probably Damaging"; Align-GVGD: "Class C0"). In summary, the available evidence is currently insufficient to determine the role of this variant in disease. Therefore, it has been classified as a Variant of Uncertain Significance.

NM_005956.4(MTHFD1):c.2801T>C (p.Leu934Ser)

Genes: MTHFD1 (methylenetetrahydrofolate dehydrogenase, cyclohydrolase and formyltetrahydrofolate synthetase 1; plus strand), ZBTB25 (zinc finger and BTB domain containing 25; minus strand). Cytogenetic location: 14q23.3.
Variant type: single nucleotide variant.
Coding change: c.2801T>C on transcript NM_005956.4 (MANE Select); coding-DNA position 2801, T replaced by C.
Protein change: p.Leu934Ser; replaces leucine 934 with serine.
Molecular consequence: missense variant. On other transcripts: intron variant (2).
Genome position (GRCh38, 1-based): chr14:64,458,296, T>C. VCF-style: chr14-64458296-T-C. GRCh37 (hg19) VCF-style: chr14-64925014-T-C.
Other names: c.2719-1463T>C (NM_001364837.1); c.174-8658A>G (NM_001304508.1); short protein forms L934S.
Identifiers: ClinVar variation 1504308 (VCV001504308.9), dbSNP rs2140993732, ClinGen allele CA390005055.
Genomic context (GRCh38, chr14:64,458,296, plus strand): 5'-CCACCCGGCCCTGTTTTTATGATATTGATTTGGACCCTGAAACAGAACAGGTGAATGGAT[T>C]ATTCTAAACAGGTAAGTTGTTACTGGGTAATAATTTGGCTTTTTTCCTCATGTAGCTTAT-3'
Protein context (NP_005947.3, residues 924-935): LDPETEQVNG[Leu934Ser]F